The following is an entry in ClinVar:

ClinVar aggregate classification (germline): Pathogenic (1 of 4 stars; one submission).

Conditions:
Hereditary breast ovarian cancer syndrome. Also called: BRCA1- and BRCA2-Associated Hereditary Breast and Ovarian Cancer; Breast and ovarian cancer; Hereditary breast and ovarian cancer syndrome; Hereditary breast and ovarian cancer syndrome (HBOC); Hereditary breast and/or ovarian cancer syndrome; Hereditary breast and ovarian cancer. Identifiers: Orphanet 145, MedGen C0677776, MeSH D061325, MONDO:0003582. Disease mechanism: loss of function.

Submission:

Labcorp Genetics (formerly Invitae), Labcorp
Classification: Pathogenic for Hereditary breast ovarian cancer syndrome. Last evaluated: 2025-02-15. Review status: criteria provided, single submitter. Criteria: Invitae Variant Classification Sherloc (09022015). Collection method: clinical testing. Allele origin: germline.
Comment: This sequence change creates a premature translational stop signal (p.Leu393*) in the BRCA1 gene. It is expected to result in an absent or disrupted protein product. Loss-of-function variants in BRCA1 are known to be pathogenic (PMID: 20104584). This variant is not present in population databases (gnomAD no frequency). This variant has not been reported in the literature in individuals affected with BRCA1-related conditions. For these reasons, this variant has been classified as Pathogenic.

Literature cited by the submitters: PubMed 20104584.

NM_007294.4(BRCA1):c.1178T>G (p.Leu393Ter)

Gene: BRCA1 (BRCA1 DNA repair associated; minus strand). Cytogenetic location: 17q21.31.
Variant type: single nucleotide variant.
Coding change: c.1178T>G on transcript NM_007294.4 (MANE Select); coding-DNA position 1178, T replaced by G.
Protein change: p.Leu393Ter; replaces leucine 393 with a stop codon.
Molecular consequence: nonsense. On other transcripts: intron variant (137).
Genome position (GRCh38, 1-based): chr17:43,094,353, A>C on the plus strand (T>G on the coding strand, the complement: BRCA1 is on the minus strand). VCF-style: chr17-43094353-A-C. GRCh37 (hg19) VCF-style: chr17-41246370-A-C.
Other names: c.968T>G, p.Leu323Ter (NM_001407906.1, NM_001407907.1, NM_001407910.1 and 13 more transcripts); c.1178T>G, p.Leu393Ter (NM_001407640.1, NM_001407641.1, NM_001407642.1 and 30 more transcripts); c.1055T>G, p.Leu352Ter (NM_001407648.1, NM_001407919.1, NM_001407937.1 and 19 more transcripts); c.1052T>G, p.Leu351Ter (NM_001407649.1, NM_001407940.1, NM_001407941.1 and 11 more transcripts); c.1175T>G, p.Leu392Ter (NM_001407644.1, NM_001407645.1, NM_001407587.1 and 22 more transcripts); c.1169T>G, p.Leu390Ter (NM_001407646.1, NM_001407647.1); c.965T>G, p.Leu322Ter (NM_001407915.1, NM_001407916.1, NM_001407917.1 and 9 more transcripts); c.914T>G, p.Leu305Ter (NM_001407920.1, NM_001407921.1, NM_001407922.1 and 9 more transcripts); and 40 more; short protein forms L225*, L366*, L392*, L281*, L282*, L305*, L352*, L393*.
Identifiers: ClinVar variation 4713082 (VCV004713082.1).